The following is an entry in ClinVar:

NM_004715.5(CTDP1):c.223C>T (p.Arg75Cys)

Gene: CTDP1 (CTD phosphatase subunit 1; plus strand). Cytogenetic location: 18q23.
Variant type: single nucleotide variant.
Coding change: c.223C>T on transcript NM_004715.5 (MANE Select); coding-DNA position 223, C replaced by T.
Protein change: p.Arg75Cys; replaces arginine 75 with cysteine.
Molecular consequence: missense variant.
Genome position (GRCh38, 1-based): chr18:79,680,170, C>T. VCF-style: chr18-79680170-C-T. GRCh37 (hg19) VCF-style: chr18-77440170-C-T.
Other names: c.223C>T, p.Arg75Cys (NM_001318511.2, NM_048368.4); short protein forms R75C.
Identifiers: ClinVar variation 1977112 (VCV001977112.4), dbSNP rs2085329227, ClinGen allele CA402825201.

ClinVar aggregate classification (germline): Uncertain significance (1 of 4 stars; one submission).

Allele frequency attached by ClinVar (database versions not stated): gnomAD exomes below 0.00001; gnomAD 0.00001.
gnomAD v4.1: 5 of 1,384,236 alleles (0.00036%); highest among the groups gnomAD compares: Admixed American, 0.0034%; no homozygotes.

Submission:

Labcorp Genetics (formerly Invitae), Labcorp
Classification: Uncertain significance. Last evaluated: 2023-12-31. Review status: criteria provided, single submitter. Criteria: Invitae Variant Classification Sherloc (09022015). Collection method: clinical testing. Allele origin: germline.
Comment: This sequence change replaces arginine, which is basic and polar, with cysteine, which is neutral and slightly polar, at codon 75 of the CTDP1 protein (p.Arg75Cys). This variant is not present in population databases (gnomAD no frequency). This variant has not been reported in the literature in individuals affected with CTDP1-related conditions. ClinVar contains an entry for this variant (Variation ID: 1977112). An algorithm developed to predict the effect of missense changes on protein structure and function (PolyPhen-2) suggests that this variant is likely to be disruptive. In summary, the available evidence is currently insufficient to determine the role of this variant in disease. Therefore, it has been classified as a Variant of Uncertain Significance.